The following is an entry in ClinVar:

NM_000287.4(PEX6):c.1187C>T (p.Pro396Leu)

Gene: PEX6 (peroxisomal biogenesis factor 6; minus strand). Cytogenetic location: 6p21.1.
Variant type: single nucleotide variant.
Coding change: c.1187C>T on transcript NM_000287.4 (MANE Select); coding-DNA position 1187, C replaced by T.
Protein change: p.Pro396Leu; replaces proline 396 with leucine.
Molecular consequence: missense variant. On other transcripts: non-coding transcript variant (1).
Genome position (GRCh38, 1-based): chr6:42,969,931, G>A on the plus strand (C>T on the coding strand, the complement: PEX6 is on the minus strand). VCF-style: chr6-42969931-G-A. GRCh37 (hg19) VCF-style: chr6-42937669-G-A.
Other names: c.923C>T, p.Pro308Leu (NM_001316313.2); short protein forms P308L, P396L.
Identifiers: ClinVar variation 2156302 (VCV002156302.2), dbSNP rs1275753932, ClinGen allele CA364156139.

ClinVar aggregate classification (germline): Uncertain significance (1 of 4 stars; one submission).

Conditions:
Peroxisome biogenesis disorder. Identifiers: Orphanet 79189, MedGen C1832200, MONDO:0019234. Disease mechanism: loss of function.

Allele frequency attached by ClinVar (database versions not stated): TOPMed below 0.00001; gnomAD 0.00001; gnomAD exomes 0.00001.
gnomAD v4.1: 9 of 1,614,062 alleles (0.00056%); highest among the groups gnomAD compares: Non-Finnish European, 0.00076%; no homozygotes.

Submission:

Labcorp Genetics (formerly Invitae), Labcorp
Classification: Uncertain significance for Peroxisome biogenesis disorder. Last evaluated: 2022-02-03. Review status: criteria provided, single submitter. Criteria: Invitae Variant Classification Sherloc (09022015). Collection method: clinical testing. Allele origin: germline.
Comment: This variant is present in population databases (no rsID available, gnomAD 0.007%). In summary, the available evidence is currently insufficient to determine the role of this variant in disease. Therefore, it has been classified as a Variant of Uncertain Significance. Algorithms developed to predict the effect of missense changes on protein structure and function (SIFT, PolyPhen-2, Align-GVGD) all suggest that this variant is likely to be tolerated. This variant has not been reported in the literature in individuals affected with PEX6-related conditions. This sequence change replaces proline, which is neutral and non-polar, with leucine, which is neutral and non-polar, at codon 396 of the PEX6 protein (p.Pro396Leu).